The following is an entry in ClinVar:

NM_005775.5(SORBS3):c.1599G>A (p.Leu533=)

Gene: SORBS3 (sorbin and SH3 domain containing 3; plus strand). Cytogenetic location: 8p21.3.
Variant type: single nucleotide variant.
Coding change: c.1599G>A on transcript NM_005775.5 (MANE Select); coding-DNA position 1599, G replaced by A.
Protein change: p.Leu533=; no amino-acid change (leucine 533 retained).
Molecular consequence: synonymous variant.
Genome position (GRCh38, 1-based): chr8:22,571,077, G>A. VCF-style: chr8-22571077-G-A. GRCh37 (hg19) VCF-style: chr8-22428590-G-A.
Other names: c.573G>A, p.Leu191= (NM_001018003.3).
Identifiers: ClinVar variation 720868 (VCV000720868.29), dbSNP rs11543182, ClinGen allele CA4668892.

ClinVar aggregate classification (germline): Benign/Likely benign. Review status: criteria provided, multiple submitters, no conflicts (2 of 4 stars). 3 submissions from 3 submitters: Benign (2); Likely benign (1). Last evaluated 2023-03-01.

Allele frequency attached by ClinVar (database versions not stated): 1000 Genomes Project 0.00240; 1000 Genomes Project 30x 0.00250; gnomAD 0.00375 and 0.00403; TOPMed 0.00445; ESP Exome Variant Server 0.00446; gnomAD exomes 0.00446 and 0.00503; ExAC 0.00451.
gnomAD v4.1: 7,263 of 1,612,098 alleles (0.45%); highest among the groups gnomAD compares: Middle Eastern, 0.73%; 55 homozygotes.

Submissions (3):

CeGaT Center for Human Genetics Tuebingen
Classification: Likely benign. Last evaluated: 2023-03-01. Review status: criteria provided, single submitter. Criteria: CeGaT Center For Human Genetics Tuebingen Variant Classification Criteria Version 2. Collection method: clinical testing. Allele origin: germline. Affected: yes. Observed: 2 variant alleles.
Comment: SORBS3: BP4, BP7, BS2

Labcorp Genetics (formerly Invitae), Labcorp
Classification: Benign. Last evaluated: 2019-12-31. Review status: criteria provided, single submitter. Criteria: Invitae Variant Classification Sherloc (09022015). Collection method: clinical testing. Allele origin: germline.

Breakthrough Genomics
Classification: Benign. Review status: criteria provided, single submitter. Criteria: ACMG Guidelines, 2015. Collection method: not provided. Allele origin: germline. Inheritance: Unknown mechanism. Affected: yes.